The following is an entry in ClinVar:

NM_006231.4(POLE):c.6664del (p.Cys2221_Leu2222insTer)

Gene: POLE (DNA polymerase epsilon, catalytic subunit; minus strand). Cytogenetic location: 12q24.33.
Variant type: Deletion.
Coding change: c.6664del on transcript NM_006231.4 (MANE Select); coding-DNA position 6664, one base deleted (C; older notation c.6664delC).
Protein change: p.Cys2221_Leu2222insTer.
Molecular consequence: nonsense.
Genome position (GRCh38, 1-based): chr12:132,624,988, G deleted on the plus strand (C on the coding strand, the reverse complement: POLE is on the minus strand); the first of 2 consecutive G bases (chr12:132,624,988-132,624,989); deleting either gives the same sequence. VCF-style (leftmost placement, unchanged base first): chr12-132624987-AG-A. GRCh37 (hg19) VCF-style: chr12-133201573-AG-A.
Identifiers: ClinVar variation 1754750 (VCV001754750.4), dbSNP rs2541833313, ClinGen allele CA2580086023.

ClinVar aggregate classification (germline): Conflicting classifications of pathogenicity. Review status: criteria provided, conflicting classifications (1 of 4 stars). 2 submissions from 2 submitters: Pathogenic (1); Uncertain significance (1). Last evaluated 2026-01-14.

Conditions:
Hereditary cancer-predisposing syndrome. Also called: Tumor predisposition; Hereditary Cancer Syndrome; Hereditary neoplastic syndrome; Neoplastic Syndromes, Hereditary. Identifiers: Orphanet 140162, MedGen C0027672, MeSH D009386, MONDO:0015356.

Submissions (2):

Ambry Genetics
Classification: Uncertain significance for Hereditary cancer-predisposing syndrome. Last evaluated: 2026-01-14. Review status: criteria provided, single submitter. Criteria: Ambry Variant Classification Scheme 2023. Collection method: clinical testing. Allele origin: germline.
Comment: The c.6664delC variant, located in coding exon 48 of the POLE gene, results from a deletion of one nucleotide at nucleotide position 6664, causing a translational frameshift with a predicted alternate stop codon (p.L2222*). This alteration is expected to result in loss of function by premature protein truncation or nonsense-mediated mRNA decay. Although biallelic loss of function of POLE has been associated with autosomal recessive POLE deficiency, haploinsufficiency of POLE has not been established as a mechanism of disease for POLE-related polymerase proofreading-associated polyposis (PPAP) and POLE-related CMMRD-like syndrome. Based on the supporting evidence, this variant is expected to be causative of POLE deficiency when present along with a second pathogenic variant on the other allele; however, its clinical significance for PPAP and POLE-related CMMRD-like syndrome is unclear.

Labcorp Genetics (formerly Invitae), Labcorp
Classification: Pathogenic. Last evaluated: 2025-02-12. Review status: criteria provided, single submitter. Criteria: Invitae Variant Classification Sherloc (09022015). Collection method: clinical testing. Allele origin: germline.
Comment: This sequence change creates a premature translational stop signal (p.Leu2222*) in the POLE gene. It is expected to result in an absent or disrupted protein product. Loss-of-function variants in POLE are known to be pathogenic (PMID: 23230001, 25948378, 30503519). This variant is not present in population databases (gnomAD no frequency). This variant has not been reported in the literature in individuals affected with POLE-related conditions. ClinVar contains an entry for this variant (Variation ID: 1754750). For these reasons, this variant has been classified as Pathogenic.

Literature cited by the submitters: PubMed 23230001 (cited by Labcorp Genetics (formerly Invitae), Labcorp); PubMed 25948378 (cited by Labcorp Genetics (formerly Invitae), Labcorp); PubMed 30503519 (cited by Labcorp Genetics (formerly Invitae), Labcorp).